The following is an entry in ClinVar:

ClinVar aggregate classification (germline): Conflicting classifications of pathogenicity. Review status: criteria provided, conflicting classifications (1 of 4 stars). 6 submissions from 6 submitters: Uncertain significance (1); Likely benign (5). Last evaluated 2026-01-27.

Conditions:
Hereditary breast ovarian cancer syndrome. Also called: Hereditary breast and ovarian cancer syndrome; Breast and ovarian cancer; Hereditary breast and ovarian cancer; Hereditary breast and ovarian cancer syndrome (HBOC); Hereditary breast and/or ovarian cancer syndrome; BRCA1- and BRCA2-Associated Hereditary Breast and Ovarian Cancer. Identifiers: Orphanet 145, MedGen C0677776, MeSH D061325, MONDO:0003582. Disease mechanism: loss of function.
Fanconi anemia complementation group O. Also called: RAD51C-Related Fanconi Anemia. Identifiers: Orphanet 84, MedGen C3150653, MONDO:0013248, OMIM 613390.
Hereditary cancer-predisposing syndrome. Also called: Tumor predisposition; Neoplastic Syndromes, Hereditary; Hereditary neoplastic syndrome; Hereditary Cancer Syndrome. Identifiers: Orphanet 140162, MedGen C0027672, MeSH D009386, MONDO:0015356.

Allele frequency attached by ClinVar (database versions not stated): gnomAD exomes below 0.00001; gnomAD 0.00001 and 0.00002; TOPMed 0.00001; ESP Exome Variant Server 0.00015.
gnomAD v4.1: 8 of 1,606,210 alleles (0.0005%); highest among the groups gnomAD compares: African/African-American, 0.0013%; no homozygotes.

Submissions (6):

Institute for Biomarker Research, Medical Diagnostic Laboratories, L.L.C.
Classification: Likely benign for Hereditary breast ovarian cancer syndrome. Last evaluated: 2026-01-27. Review status: criteria provided, single submitter. Criteria: ACMG Guidelines, 2015. Collection method: clinical testing. Allele origin: germline.
Comment: The intron variant NM_058216.3(RAD51C):c.404+16C>G has not been reported previously as a pathogenic variant, to our knowledge (Accession: VCV000381365.11). The c.404+16C>G variant is observed in 1/109,170 (0.0009%) alleles from individuals of gnomAD Non Finnish European background in gnomAD. The c.404+16C>G variant is not predicted to disrupt the existing donor splice site 14bp upstream by any splice site algorithm. The c.404+16C>G variant results in a substitution of a base that is not predicted conserved by GERP++ and PhyloP. For these reasons, this variant has been classified as Likely Benign.

Labcorp Genetics (formerly Invitae), Labcorp
Classification: Likely benign for Fanconi anemia complementation group O. Last evaluated: 2025-12-29. Review status: criteria provided, single submitter. Criteria: Invitae Variant Classification Sherloc (09022015). Collection method: clinical testing. Allele origin: germline.

Blueprint Genetics
Classification: Likely benign. Last evaluated: 2024-08-31. Review status: criteria provided, single submitter. Criteria: ACMG Guidelines, 2015. Collection method: clinical testing. Allele origin: germline.

Color Diagnostics, LLC DBA Color Health
Classification: Likely benign for Hereditary cancer-predisposing syndrome. Last evaluated: 2017-01-11. Review status: criteria provided, single submitter. Criteria: ACMG Guidelines, 2015. Collection method: clinical testing. Allele origin: germline.

GeneDx
Classification: Likely benign. Last evaluated: 2015-11-11. Review status: criteria provided, single submitter. Criteria: GeneDx Variant Classification (06012015). Collection method: clinical testing. Allele origin: germline. Affected: yes.
Comment: This variant is considered likely benign or benign based on one or more of the following criteria: it is a conservative change, it occurs at a poorly conserved position in the protein, it is predicted to be benign by multiple in silico algorithms, and/or has population frequency not consistent with disease.

Ambry Genetics
Classification: Uncertain significance for Hereditary cancer-predisposing syndrome. Last evaluated: 2015-08-10. Review status: criteria provided, single submitter. Criteria: Ambry Variant Classification Scheme 2023. Collection method: clinical testing. Allele origin: germline.
Comment: The c.404+16C>G intronic alteration consists of a C to G substitution 6 nucleotides after coding exon 2 in the RAD51C gene. Based on insufficient or conflicting evidence, the clinical significance of this alteration remains unclear.

NM_058216.3(RAD51C):c.404+16C>G

Gene: RAD51C (RAD51 paralog C; plus strand). Cytogenetic location: 17q22.
Variant type: single nucleotide variant.
Coding change: c.404+16C>G on transcript NM_058216.3 (MANE Select); 16 bases into the intron after coding-DNA position 404, C replaced by G.
Molecular consequence: intron variant. On other transcripts: 3 prime UTR variant (1), non-coding transcript variant (1).
Genome position (GRCh38, 1-based): chr17:58,695,205, C>G. VCF-style: chr17-58695205-C-G. GRCh37 (hg19) VCF-style: chr17-56772566-C-G.
Other names: c.*12C>G (NM_002876.4).
Identifiers: ClinVar variation 381365 (VCV000381365.14), dbSNP rs376465837, ClinGen allele CA16607385.
Genomic context (GRCh38, chr17:58,695,205, plus strand): 5'-AACAGAAATTTGTGGTGCACCAGGTGTTGGAAAAACACAATTATGGTAAAATAAAGTGTT[C>G]TCCTTTTAAGGGTGGGTTTAATAACATATTATGAAAGTAGTATTTTGTACTATCGTCAGG-3'